The following is an entry in ClinVar:

NM_004523.4(KIF11):c.305_306del (p.Phe102fs)

Gene: KIF11 (kinesin family member 11; plus strand). Cytogenetic location: 10q23.33.
Variant type: Deletion.
Coding change: c.305_306del on transcript NM_004523.4 (MANE Select); coding-DNA positions 305 to 306, 2 bases deleted (TT; older notation c.305_306delTT).
Protein change: p.Phe102fs; shifts the reading frame from phenylalanine 102.
Molecular consequence: frameshift variant.
Genome position (GRCh38, 1-based): chr10:92,606,713-92,606,714, TT deleted; deleting any 2 consecutive bases within chr10:92,606,712-92,606,714 gives the same sequence; the c. name uses the placement nearest the transcript's 3' end. VCF-style (leftmost placement, unchanged base first): chr10-92606711-CTT-C. GRCh37 (hg19) VCF-style: chr10-94366468-CTT-C.
Other names: short protein forms F102fs.
Identifiers: ClinVar variation 1076032 (VCV001076032.7), dbSNP rs2135900803, ClinGen allele CA2499220492.

ClinVar aggregate classification (germline): Pathogenic (1 of 4 stars; one submission).

Submission:

Labcorp Genetics (formerly Invitae), Labcorp
Classification: Pathogenic. Last evaluated: 2020-10-14. Review status: criteria provided, single submitter. Criteria: Invitae Variant Classification Sherloc (09022015). Collection method: clinical testing. Allele origin: germline.
Comment: For these reasons, this variant has been classified as Pathogenic. This variant has not been reported in the literature in individuals with KIF11-related conditions. This variant is not present in population databases (ExAC no frequency). This sequence change creates a premature translational stop signal (p.Phe102Cysfs*16) in the KIF11 gene. It is expected to result in an absent or disrupted protein product. Loss-of-function variants in KIF11 are known to be pathogenic (PMID: 22284827, 24281367).

Literature cited by the submitters: PubMed 22284827; PubMed 24281367.